The following is an entry in ClinVar:

ClinVar aggregate classification (germline): Likely pathogenic (1 of 4 stars; one submission).

Submission:

GeneDx
Classification: Likely pathogenic. Last evaluated: 2025-05-19. Review status: criteria provided, single submitter. Criteria: GeneDx Variant Classification Process June 2021. Collection method: clinical testing. Allele origin: germline. Affected: yes.
Comment: Alters the last nucleotide of the exon and is predicted to destroy the splice donor site and result in aberrant splicing, although in the absence of functional evidence the actual effect of this sequence change is unknown; Not observed at significant frequency in large population cohorts (gnomAD); Has not been previously published as pathogenic or benign to our knowledge

NM_003183.6(ADAM17):c.450G>A (p.Glu150=)

Gene: ADAM17 (ADAM metallopeptidase domain 17; minus strand). Cytogenetic location: 2p25.1.
Variant type: single nucleotide variant.
Coding change: c.450G>A on transcript NM_003183.6 (MANE Select); coding-DNA position 450, G replaced by A.
Protein change: p.Glu150=; no amino-acid change (glutamic acid 150 retained).
Molecular consequence: synonymous variant. On other transcripts: 5 prime UTR variant (2).
Genome position (GRCh38, 1-based): chr2:9,535,834, C>T on the plus strand (G>A on the coding strand, the complement: ADAM17 is on the minus strand). VCF-style: chr2-9535834-C-T. GRCh37 (hg19) VCF-style: chr2-9675963-C-T.
Other names: c.-231G>A (NM_001382777.1); c.-473G>A (NM_001382778.1).
Identifiers: ClinVar variation 4530828 (VCV004530828.1).